The following is an entry in ClinVar:

NM_000238.4(KCNH2):c.2046G>C (p.Glu682Asp)

Gene: KCNH2 (potassium voltage-gated channel subfamily H member 2; minus strand). Cytogenetic location: 7q36.1.
Variant type: single nucleotide variant.
Coding change: c.2046G>C on transcript NM_000238.4 (MANE Select); coding-DNA position 2046, G replaced by C.
Protein change: p.Glu682Asp; replaces glutamic acid 682 with aspartic acid.
Molecular consequence: missense variant.
Genome position (GRCh38, 1-based): chr7:150,951,020, C>G on the plus strand (G>C on the coding strand, the complement: KCNH2 is on the minus strand). VCF-style: chr7-150951020-C-G. GRCh37 (hg19) VCF-style: chr7-150648108-C-G.
Other names: c.1026G>C, p.Glu342Asp (NM_001204798.2, NM_172057.3); c.1758G>C, p.Glu586Asp (NM_001406753.1, NM_001406756.1); c.1869G>C, p.Glu623Asp (NM_001406755.1); c.1746G>C, p.Glu582Asp (NM_001406757.1); c.2046G>C, p.Glu682Asp (NM_172056.3); short protein forms E342D, E682D, E582D, E623D, E586D.
Identifiers: ClinVar variation 487626 (VCV000487626.55), dbSNP rs1338579153, ClinGen allele CA369857592.
Genomic context (GRCh38, chr7:150,951,020, plus strand): 5'-CTGGAAGTACTCCTCGAGGCGCTGGCGCAGGGGATTGGGGATCTGGTGGAAGCGGATGAA[C>G]TCCCGCACCCGCAGCATCTGTGTGTGGTAGCGGGCTGTGCCCGAGTACAGCCGCTGGATG-3'
Protein context (NP_000229.1, residues 672-692): RYHTQMLRVR[Glu682Asp]FIRFHQIPNP

ClinVar aggregate classification (germline): Uncertain significance. Review status: criteria provided, multiple submitters, no conflicts (2 of 4 stars). 6 submissions from 6 submitters: Uncertain significance (5). 1 of the submissions does not count toward it. Last evaluated 2025-06-24.

Conditions:
Cardiac arrhythmia. Also called: Cardiac rhythm disease; Arrhythmia. Identifiers: MedGen C0003811, MONDO:0007263, HP:0011675.
Long QT syndrome (LQTS). Identifiers: MedGen C0023976, MeSH D008133, MONDO:0002442. Disease mechanism: loss of function. Inheritance: Various modes of inheritance.
Cardiovascular phenotype. Identifiers: MedGen CN230736.
Wolff-Parkinson-White pattern. Also called: Auriculoventricular accessory pathway syndrome; False bundle branch block syndrome; Anomalous ventricular excitation syndrome; WPW SYNDROME. Identifiers: MedGen C0043202, MONDO:0008685, OMIM 194200, HP:0001716.

Allele frequency attached by ClinVar (database versions not stated): gnomAD exomes below 0.00001; TOPMed below 0.00001; gnomAD 0.00001.
gnomAD v4.1: 3 of 1,614,098 alleles (0.00019%); highest among the groups gnomAD compares: South Asian, 0.0011%; no homozygotes.

Submissions (6):

Color Diagnostics, LLC DBA Color Health
Classification: Uncertain significance for Cardiac arrhythmia. Last evaluated: 2025-06-24. Review status: criteria provided, single submitter. Criteria: ACMG Guidelines, 2015. Collection method: clinical testing. Allele origin: germline.
Comment: This missense variant replaces glutamic acid with aspartic acid at codon 682 of the KCNH2 protein. This variant is located within the conserved C-terminal cytoplasmic (aa 660-1159) of the KCNH2 protein. Rare non-truncating variants in this region have been shown to be significantly overrepresented in individuals with long QT syndrome (PMID: 32893267). Computational prediction suggests that this variant may have deleterious impact on protein structure and function. To our knowledge, functional studies have not been reported for this variant. This variant has not been reported in individuals affected with KCNH2-related disorders in the literature. This variant has not been identified in the general population by the Genome Aggregation Database (gnomAD). The available evidence is insufficient to determine the role of this variant in disease conclusively. Therefore, this variant is classified as a Variant of Uncertain Significance.

Labcorp Genetics (formerly Invitae), Labcorp
Classification: Uncertain significance for Long QT syndrome. Last evaluated: 2025-04-14. Review status: criteria provided, single submitter. Criteria: Invitae Variant Classification Sherloc (09022015). Collection method: clinical testing. Allele origin: germline.
Comment: This sequence change replaces glutamic acid, which is acidic and polar, with aspartic acid, which is acidic and polar, at codon 682 of the KCNH2 protein (p.Glu682Asp). This variant is not present in population databases (gnomAD no frequency). This missense change has been observed in individual(s) with sudden cardiac death (PMID: 34930020). ClinVar contains an entry for this variant (Variation ID: 487626). An algorithm developed to predict the effect of missense changes on protein structure and function (PolyPhen-2) suggests that this variant is likely to be disruptive. Experimental studies have shown that this missense change does not substantially affect KCNH2 function (PMID: 34930020). In summary, the available evidence is currently insufficient to determine the role of this variant in disease. Therefore, it has been classified as a Variant of Uncertain Significance.

Ambry Genetics
Classification: Uncertain significance for Cardiovascular phenotype. Last evaluated: 2024-05-03. Review status: criteria provided, single submitter. Criteria: Ambry Variant Classification Scheme 2023. Collection method: clinical testing. Allele origin: germline.
Comment: The p.E682D variant (also known as c.2046G>C), located in coding exon 8 of the KCNH2 gene, results from a G to C substitution at nucleotide position 2046. The glutamic acid at codon 682 is replaced by aspartic acid, an amino acid with highly similar properties. This amino acid position is highly conserved in available vertebrate species. In addition, this alteration is predicted to be deleterious by in silico analysis. Since supporting evidence is limited at this time, the clinical significance of this alteration remains unclear.

All of Us Research Program, National Institutes of Health
Classification: Uncertain significance for Long QT syndrome. Last evaluated: 2023-07-22. Review status: criteria provided, single submitter. Criteria: ACMG Guidelines, 2015. Collection method: clinical testing. Allele origin: germline. Inheritance: Autosomal dominant inheritance. Observed: 3 variant alleles, 3 heterozygotes.
Comment: This missense variant replaces glutamic acid with aspartic acid at codon 682 of the KCNH2 protein. Computational prediction suggests that this variant may have deleterious impact on protein structure and function (internally defined REVEL score threshold >= 0.7, PMID: 27666373). To our knowledge, functional studies have not been reported for this variant. This variant has not been reported in individuals affected with cardiovascular disorders in the literature. This variant has not been identified in the general population by the Genome Aggregation Database (gnomAD). The available evidence is insufficient to determine the role of this variant in disease conclusively. Therefore, this variant is classified as a Variant of Uncertain Significance.

This study involves interpretation of variants in research participants for the purpose of population health screening. Participant phenotype was not available at the time of variant classification. Additional details can be found in publication PMID: 35346344, PMCID: PMC8962531

CeGaT Center for Human Genetics Tuebingen
Classification: Uncertain significance. Last evaluated: 2018-09-01. Review status: criteria provided, single submitter. Criteria: CeGaT Center For Human Genetics Tuebingen Variant Classification Criteria Version 2. Collection method: clinical testing. Allele origin: germline. Affected: yes. Observed: 1 variant allele.

Lupski Lab, Baylor-Hopkins CMG, Baylor College of Medicine
Classification: Uncertain significance for Wolff-Parkinson-White pattern. Last evaluated: 2017-07-14. Review status: no assertion criteria provided. Collection method: research. Allele origin: inherited. Affected: yes. Observed: 1 variant allele. Study: Candidate_variants_in_patients_with_ Wolff-Parkinson-White Syndrome. Not counted in ClinVar's aggregate classification.

Literature cited by the submitters: PubMed 32893267 (cited by Color Diagnostics, LLC DBA Color Health); PubMed 34930020 (cited by Labcorp Genetics (formerly Invitae), Labcorp).